The following is an entry in ClinVar:

ClinVar aggregate classification (germline): Benign/Likely benign. Review status: criteria provided, multiple submitters, no conflicts (2 of 4 stars). 9 submissions from 9 submitters: Benign (6); Likely benign (1). 2 of the submissions do not count toward it. Last evaluated 2026-02-04.

Conditions:
Congenital hyperammonemia, type I. Also called: Carbamoyl-phosphate synthase I deficiency; Carbamoyl phosphate synthetase I deficiency disease; CPS I DEFICIENCY; Carbamoyl phosphate synthetase 1 deficiency; Hyperammonemia due to carbamoyl phosphate synthetase 1 deficiency; CPS 1 deficiency. Identifiers: Orphanet 147, MedGen C4082171, MONDO:0009376, OMIM 237300.

Allele frequency attached by ClinVar (database versions not stated): 1000 Genomes Project 30x 0.00874; 1000 Genomes Project 0.00879; ESP Exome Variant Server 0.01869; gnomAD 0.02004 and 0.02055; TOPMed 0.02053.
gnomAD v4.1: 39,823 of 1,596,772 alleles (2.5%); highest among the groups gnomAD compares: Admixed American, 5.1%; 630 homozygotes.

Submissions (9):

Labcorp Genetics (formerly Invitae), Labcorp
Classification: Benign for Congenital hyperammonemia, type I. Last evaluated: 2026-02-04. Review status: criteria provided, single submitter. Criteria: Invitae Variant Classification Sherloc (09022015). Collection method: clinical testing. Allele origin: germline.

Blueprint Genetics
Classification: Likely benign. Last evaluated: 2024-11-26. Review status: criteria provided, single submitter. Criteria: ACMG Guidelines, 2015. Collection method: clinical testing. Allele origin: germline.

Mayo Clinic Laboratories, Mayo Clinic
Classification: Benign. Last evaluated: 2021-10-03. Review status: criteria provided, single submitter. Criteria: ACMG Guidelines, 2015. Collection method: clinical testing. Allele origin: germline. Observed: 10 variant alleles.

Genome Diagnostics Laboratory, University Medical Center Utrecht
Classification: Benign for Congenital hyperammonemia, type I. Last evaluated: 2016-05-02. Review status: criteria provided, single submitter. Criteria: ACGS Guidelines, 2013. Collection method: clinical testing. Allele origin: germline. Affected: yes. Study: VKGL Data-share Consensus.

GeneDx
Classification: Benign. Last evaluated: 2013-07-25. Review status: criteria provided, single submitter. Criteria: GeneDx Variant Classification (06012015). Collection method: clinical testing. Allele origin: germline. Affected: yes.
Comment: This variant is considered likely benign or benign based on one or more of the following criteria: it is a conservative change, it occurs at a poorly conserved position in the protein, it is predicted to be benign by multiple in silico algorithms, and/or has population frequency not consistent with disease.

Breakthrough Genomics
Classification: Benign. Review status: criteria provided, single submitter. Criteria: ACMG Guidelines, 2015. Collection method: not provided. Allele origin: germline. Inheritance: Autosomal recessive inheritance. Affected: yes.

PreventionGenetics, part of Exact Sciences
Classification: Benign. Review status: criteria provided, single submitter. Criteria: ACMG Guidelines, 2015. Collection method: clinical testing. Allele origin: germline.

Clinical Genetics, Academic Medical Center
Classification: Benign. Review status: no assertion criteria provided. Collection method: clinical testing. Allele origin: germline. Affected: yes. Study: VKGL Data-share Consensus. Not counted in ClinVar's aggregate classification.

Joint Genome Diagnostic Labs from Nijmegen and Maastricht, Radboudumc and MUMC+
Classification: Benign. Review status: no assertion criteria provided. Collection method: clinical testing. Allele origin: germline. Affected: yes. Study: VKGL Data-share Consensus. Not counted in ClinVar's aggregate classification.

NM_001875.5(CPS1):c.2830-18A>G

Gene: CPS1 (carbamoyl-phosphate synthase 1; plus strand). Cytogenetic location: 2q34.
Variant type: single nucleotide variant.
Coding change: c.2830-18A>G on transcript NM_001875.5 (MANE Select); 18 bases into the intron before coding-DNA position 2830, A replaced by G.
Molecular consequence: intron variant.
Genome position (GRCh38, 1-based): chr2:210,639,132, A>G. VCF-style: chr2-210639132-A-G. GRCh37 (hg19) VCF-style: chr2-211503856-A-G.
Other names: p.?; c.2830-18A>G (LRG_336t1, NM_001369257.1, NM_001122633.3); c.2863-18A>G (NM_001369256.1).
Identifiers: ClinVar variation 137025 (VCV000137025.18), dbSNP rs116664530, ClinGen allele CA290508.
Genomic context (GRCh38, chr2:210,639,132, plus strand): 5'-ATAAAGCACAAAAAATTTAGTCTTGAAAAAATTATAATAACATTCTTATTTGTTTATTTT[A>G]TTTGTTTTCTCTTACAGATTGATACACTGGCTGCAGAATACCCATCAGTAACAAACTATC-3'